The following is an entry in ClinVar:

NM_003823.4(TNFRSF6B):c.557C>A (p.Ser186Tyr)

Genes: RTEL1-TNFRSF6B (RTEL1-TNFRSF6B readthrough (NMD candidate); plus strand), TNFRSF6B (TNF receptor superfamily member 6b; plus strand). Cytogenetic location: 20q13.33.
Variant type: single nucleotide variant.
Coding change: c.557C>A on transcript NM_003823.4 (MANE Select); coding-DNA position 557, C replaced by A.
Protein change: p.Ser186Tyr; replaces serine 186 with tyrosine.
Molecular consequence: missense variant. On other transcripts: non-coding transcript variant (1).
Genome position (GRCh38, 1-based): chr20:63,697,460, C>A. VCF-style: chr20-63697460-C-A. GRCh37 (hg19) VCF-style: chr20-62328813-C-A.
Other names: short protein forms S186Y.
Identifiers: ClinVar variation 4728926 (VCV004728926.1).

ClinVar aggregate classification (germline): Uncertain significance (1 of 4 stars; one submission).

Submission:

Labcorp Genetics (formerly Invitae), Labcorp
Classification: Uncertain significance. Last evaluated: 2025-10-10. Review status: criteria provided, single submitter. Criteria: Invitae Variant Classification Sherloc (09022015). Collection method: clinical testing. Allele origin: germline.
Comment: This sequence change replaces serine, which is neutral and polar, with tyrosine, which is neutral and polar, at codon 186 of the TNFRSF6B protein (p.Ser186Tyr). This variant is not present in population databases (gnomAD no frequency). This variant has not been reported in the literature in individuals affected with TNFRSF6B-related conditions. An algorithm developed to predict the effect of missense changes on protein structure and function (PolyPhen-2) suggests that this variant is likely to be disruptive. In summary, the available evidence is currently insufficient to determine the role of this variant in disease. Therefore, it has been classified as a Variant of Uncertain Significance.